The following is an entry in ClinVar:

NM_030957.4(ADAMTS10):c.1498T>C (p.Trp500Arg)

Gene: ADAMTS10 (ADAM metallopeptidase with thrombospondin type 1 motif 10; minus strand). Cytogenetic location: 19p13.2.
Variant type: single nucleotide variant.
Coding change: c.1498T>C on transcript NM_030957.4 (MANE Select); coding-DNA position 1498, T replaced by C.
Protein change: p.Trp500Arg; replaces tryptophan 500 with arginine.
Molecular consequence: missense variant.
Genome position (GRCh38, 1-based): chr19:8,592,852, A>G on the plus strand (T>C on the coding strand, the complement: ADAMTS10 is on the minus strand). VCF-style: chr19-8592852-A-G. GRCh37 (hg19) VCF-style: chr19-8657736-A-G.
Other names: short protein forms W500R.
Identifiers: ClinVar variation 2100844 (VCV002100844.4), dbSNP rs2512609318, ClinGen allele CA403754573.

ClinVar aggregate classification (germline): Uncertain significance (1 of 4 stars; one submission).

Submission:

Labcorp Genetics (formerly Invitae), Labcorp
Classification: Uncertain significance. Last evaluated: 2022-02-21. Review status: criteria provided, single submitter. Criteria: Invitae Variant Classification Sherloc (09022015). Collection method: clinical testing. Allele origin: germline.
Comment: This sequence change replaces tryptophan, which is neutral and slightly polar, with arginine, which is basic and polar, at codon 500 of the ADAMTS10 protein (p.Trp500Arg). This variant is not present in population databases (gnomAD no frequency). This variant has not been reported in the literature in individuals affected with ADAMTS10-related conditions. Algorithms developed to predict the effect of missense changes on protein structure and function are either unavailable or do not agree on the potential impact of this missense change (SIFT: "Deleterious"; PolyPhen-2: "Benign"; Align-GVGD: "Class C65"). In summary, the available evidence is currently insufficient to determine the role of this variant in disease. Therefore, it has been classified as a Variant of Uncertain Significance.